The following is an entry in ClinVar:

NM_020693.4(DSCAML1):c.2798T>G (p.Phe933Cys)

Gene: DSCAML1 (DS cell adhesion molecule like 1; minus strand). Cytogenetic location: 11q23.3.
Variant type: single nucleotide variant.
Coding change: c.2798T>G on transcript NM_020693.4 (MANE Select); coding-DNA position 2798, T replaced by G.
Protein change: p.Phe933Cys; replaces phenylalanine 933 with cysteine.
Molecular consequence: missense variant.
Genome position (GRCh38, 1-based): chr11:117,472,024, A>C on the plus strand (T>G on the coding strand, the complement: DSCAML1 is on the minus strand). VCF-style: chr11-117472024-A-C. GRCh37 (hg19) VCF-style: chr11-117342739-A-C.
Other names: short protein forms F933C.
Identifiers: ClinVar variation 4723127 (VCV004723127.1).

ClinVar aggregate classification (germline): Uncertain significance (1 of 4 stars; one submission).

gnomAD v4.1: 3 of 1,613,988 alleles (0.00019%); highest among the groups gnomAD compares: Middle Eastern, 0.017%; no homozygotes.

Submission:

Labcorp Genetics (formerly Invitae), Labcorp
Classification: Uncertain significance. Last evaluated: 2025-07-13. Review status: criteria provided, single submitter. Criteria: Invitae Variant Classification Sherloc (09022015). Collection method: clinical testing. Allele origin: germline.
Comment: This sequence change replaces phenylalanine, which is neutral and non-polar, with cysteine, which is neutral and slightly polar, at codon 993 of the DSCAML1 protein (p.Phe993Cys). This variant is present in population databases (no rsID available, gnomAD no frequency). This variant has not been reported in the literature in individuals affected with DSCAML1-related conditions. An algorithm developed to predict the effect of missense changes on protein structure and function (PolyPhen-2) suggests that this variant is likely to be disruptive. In summary, the available evidence is currently insufficient to determine the role of this variant in disease. Therefore, it has been classified as a Variant of Uncertain Significance.